The following is an entry in ClinVar:

ClinVar aggregate classification (germline): Uncertain significance (1 of 4 stars; one submission).

Allele frequency attached by ClinVar (database versions not stated): gnomAD exomes below 0.00001 and 0.00001; ExAC 0.00001; TOPMed 0.00003; gnomAD 0.00004.

Submission:

Labcorp Genetics (formerly Invitae), Labcorp
Classification: Uncertain significance. Last evaluated: 2023-11-18. Review status: criteria provided, single submitter. Criteria: Invitae Variant Classification Sherloc (09022015). Collection method: clinical testing. Allele origin: germline.
Comment: This sequence change creates a premature translational stop signal (p.Tyr149*) in the CAPN5 gene. It is expected to result in an absent or disrupted protein product. However, the current clinical and genetic evidence is not sufficient to establish whether loss-of-function variants in CAPN5 cause disease. This variant is present in population databases (rs781998387, gnomAD 0.003%). This variant has not been reported in the literature in individuals affected with CAPN5-related conditions. ClinVar contains an entry for this variant (Variation ID: 933807). In summary, the available evidence is currently insufficient to determine the role of this variant in disease. Therefore, it has been classified as a Variant of Uncertain Significance.

NM_004055.5(CAPN5):c.446dup (p.Tyr149Ter)

Gene: CAPN5 (calpain 5; plus strand). Cytogenetic location: 11q13.5.
Variant type: Duplication.
Coding change: c.446dup on transcript NM_004055.5 (MANE Select); coding-DNA position 446, one base duplicated (A; older notation c.446dupA).
Protein change: p.Tyr149Ter; replaces tyrosine 149 with a stop codon.
Molecular consequence: nonsense.
Genome position (GRCh38, 1-based): chr11:77,112,737, A duplicated. VCF-style (leftmost placement, unchanged base first): chr11-77112736-T-TA. GRCh37 (hg19) VCF-style: chr11-76823782-T-TA.
Other names: short protein forms Y149*.
Identifiers: ClinVar variation 933807 (VCV000933807.7), dbSNP rs781998387, ClinGen allele CA6196436.